The following is an entry in ClinVar:

ClinVar aggregate classification (germline): Uncertain significance (1 of 4 stars; one submission).

Allele frequency attached by ClinVar (database versions not stated): TOPMed 0.00001; ESP Exome Variant Server 0.00008.
gnomAD v4.1: 1 of 1,614,108 alleles (0.000062%); highest among the groups gnomAD compares: African/African-American, 0.0013%; no homozygotes.

Submission:

Labcorp Genetics (formerly Invitae), Labcorp
Classification: Uncertain significance. Last evaluated: 2022-02-04. Review status: criteria provided, single submitter. Criteria: Invitae Variant Classification Sherloc (09022015). Collection method: clinical testing. Allele origin: germline.
Comment: In summary, the available evidence is currently insufficient to determine the role of this variant in disease. Therefore, it has been classified as a Variant of Uncertain Significance. Algorithms developed to predict the effect of missense changes on protein structure and function (SIFT, PolyPhen-2, Align-GVGD) all suggest that this variant is likely to be tolerated. ClinVar contains an entry for this variant (Variation ID: 842537). This variant has not been reported in the literature in individuals affected with SZT2-related conditions. This variant is present in population databases (rs373037090, gnomAD 0.007%). This sequence change replaces arginine, which is basic and polar, with glycine, which is neutral and non-polar, at codon 2467 of the SZT2 protein (p.Arg2467Gly).

NM_001365999.1(SZT2):c.7570C>G (p.Arg2524Gly)

Gene: SZT2 (SZT2 subunit of KICSTOR complex; plus strand). Cytogenetic location: 1p34.2.
Variant type: single nucleotide variant.
Coding change: c.7570C>G on transcript NM_001365999.1 (MANE Select); coding-DNA position 7570, C replaced by G.
Protein change: p.Arg2524Gly; replaces arginine 2524 with glycine.
Molecular consequence: missense variant.
Genome position (GRCh38, 1-based): chr1:43,441,562, C>G. VCF-style: chr1-43441562-C-G. GRCh37 (hg19) VCF-style: chr1-43907233-C-G.
Other names: c.7399C>G, p.Arg2467Gly (NM_015284.4); short protein forms R2524G, R2467G.
Identifiers: ClinVar variation 842537 (VCV000842537.9), dbSNP rs373037090, ClinGen allele CA21646370.
Genomic context (GRCh38, chr1:43,441,562, plus strand): 5'-AGGCGCCGGACAACACAGCTAGAAGAGGGTGAGGTGGGGACCCTTCATCCTGTGTTTGCC[C>G]GTGTTGCTCAGCGCTGGATGGAGTTTATGGTTCAGATTGGTGAGACCCCAGCCTCCCCTC-3'
Protein context (NP_001352928.1, residues 2514-2534): EVGTLHPVFA[Arg2524Gly]VAQRWMEFMV